The following is an entry in ClinVar:

NM_006846.4(SPINK5):c.730G>A (p.Asp244Asn)

Gene: SPINK5 (serine peptidase inhibitor Kazal type 5; plus strand). Cytogenetic location: 5q32.
Variant type: single nucleotide variant.
Coding change: c.730G>A on transcript NM_006846.4 (MANE Select); coding-DNA position 730, G replaced by A.
Protein change: p.Asp244Asn; replaces aspartic acid 244 with asparagine.
Molecular consequence: missense variant.
Genome position (GRCh38, 1-based): chr5:148,094,417, G>A. VCF-style: chr5-148094417-G-A. GRCh37 (hg19) VCF-style: chr5-147473980-G-A.
Other names: c.730G>A, p.Asp244Asn (NM_001127698.2, NM_001127699.2); short protein forms D244N.
Identifiers: ClinVar variation 579226 (VCV000579226.6), dbSNP rs774534780, ClinGen allele CA3495327.

ClinVar aggregate classification (germline): Uncertain significance (1 of 4 stars; one submission).

Conditions:
Netherton syndrome (NETH). Also called: NETHERTON DISEASE; ERYTHRODERMA, ICHTHYOSIFORM, WITH HYPOTRICHOSIS AND HYPER-IgE; COMEL-NETHERTON SYNDROME. Identifiers: Orphanet 634, MedGen C5574950, MONDO:0009735, OMIM 256500.

Allele frequency attached by ClinVar (database versions not stated): gnomAD exomes below 0.00001; ExAC 0.00001; gnomAD 0.00001.

Submission:

Labcorp Genetics (formerly Invitae), Labcorp
Classification: Uncertain significance for Ichthyosis linearis circumflexa. Last evaluated: 2021-08-26. Review status: criteria provided, single submitter. Criteria: Invitae Variant Classification Sherloc (09022015). Collection method: clinical testing. Allele origin: germline.
Comment: This sequence change replaces aspartic acid with asparagine at codon 244 of the SPINK5 protein (p.Asp244Asn). The aspartic acid residue is highly conserved and there is a small physicochemical difference between aspartic acid and asparagine. This variant is present in population databases (rs774534780, ExAC 0.009%). This variant has not been reported in the literature in individuals affected with SPINK5-related conditions. Algorithms developed to predict the effect of missense changes on protein structure and function are either unavailable or do not agree on the potential impact of this missense change (SIFT: "Deleterious"; PolyPhen-2: "Probably Damaging"; Align-GVGD: "Class C0"). In summary, the available evidence is currently insufficient to determine the role of this variant in disease. Therefore, it has been classified as a Variant of Uncertain Significance.